The following is an entry in ClinVar:

ClinVar aggregate classification (germline): Conflicting classifications of pathogenicity. Review status: criteria provided, conflicting classifications (1 of 4 stars). 4 submissions from 4 submitters: Uncertain significance (1); Benign (1); Likely benign (2). Last evaluated 2025-05-13.

Conditions:
Tuberous sclerosis 2 (TSC2). Identifiers: Orphanet 805, MedGen C1860707, MONDO:0013199, OMIM 613254.
Hereditary cancer-predisposing syndrome. Also called: Neoplastic Syndromes, Hereditary; Hereditary neoplastic syndrome; Tumor predisposition; Hereditary Cancer Syndrome. Identifiers: Orphanet 140162, MedGen C0027672, MeSH D009386, MONDO:0015356.

Submissions (4):

Myriad Genetics, Inc.
Classification: Benign for Tuberous sclerosis 2. Last evaluated: 2025-05-13. Review status: criteria provided, single submitter. Criteria: Myriad Autosomal Dominant, Autosomal Recessive and X-Linked Classification Criteria (2023). Collection method: clinical testing. Allele origin: unknown.
Comment: This variant is considered benign. This variant is a silent/synonymous amino acid change and it is not expected to impact splicing.

Ambry Genetics
Classification: Likely benign for Hereditary cancer-predisposing syndrome. Last evaluated: 2024-08-19. Review status: criteria provided, single submitter. Criteria: Ambry Variant Classification Scheme 2023. Collection method: clinical testing. Allele origin: germline.

Labcorp Genetics (formerly Invitae), Labcorp
Classification: Uncertain significance for Tuberous sclerosis 2. Last evaluated: 2023-08-11. Review status: criteria provided, single submitter. Criteria: Invitae Variant Classification Sherloc (09022015). Collection method: clinical testing. Allele origin: germline.
Comment: In summary, the available evidence is currently insufficient to determine the role of this variant in disease. Therefore, it has been classified as a Variant of Uncertain Significance. Algorithms developed to predict the effect of sequence changes on RNA splicing suggest that this variant may disrupt the consensus splice site. ClinVar contains an entry for this variant (Variation ID: 391321). This variant has not been reported in the literature in individuals affected with TSC2-related conditions. This variant is not present in population databases (gnomAD no frequency). This sequence change affects codon 344 of the TSC2 mRNA. It is a 'silent' change, meaning that it does not change the encoded amino acid sequence of the TSC2 protein.

GeneDx
Classification: Likely benign. Last evaluated: 2020-03-16. Review status: criteria provided, single submitter. Criteria: GeneDx Variant Classification Process June 2021. Collection method: clinical testing. Allele origin: germline. Affected: yes.

NM_000548.5(TSC2):c.1032G>A (p.Arg344=)

Gene: TSC2 (TSC complex subunit 2; plus strand). Cytogenetic location: 16p13.3.
Variant type: single nucleotide variant.
Coding change: c.1032G>A on transcript NM_000548.5 (MANE Select); coding-DNA position 1032, G replaced by A.
Protein change: p.Arg344=; no amino-acid change (arginine 344 retained).
Molecular consequence: synonymous variant.
Genome position (GRCh38, 1-based): chr16:2,060,726, G>A. VCF-style: chr16-2060726-G-A. GRCh37 (hg19) VCF-style: chr16-2110727-G-A.
Other names: c.1032G>A, p.Arg344= (NM_001077183.3, NM_001114382.3, NM_001363528.2 and 3 more transcripts); c.921G>A, p.Arg307= (NM_001318827.2); c.885G>A, p.Arg295= (NM_001318829.2); c.432G>A, p.Arg144= (NM_001318831.2); c.1065G>A, p.Arg355= (NM_001318832.2).
Identifiers: ClinVar variation 391321 (VCV000391321.11), dbSNP rs1057524033, ClinGen allele CA16607138.